The following is an entry in ClinVar:

ClinVar aggregate classification (germline): Benign/Likely benign. Review status: criteria provided, multiple submitters, no conflicts (2 of 4 stars). 2 submissions from 2 submitters: Benign (1); Likely benign (1). Last evaluated 2026-09-01.

gnomAD v4.1: 1,073 of 1,486,350 alleles (0.072%); highest among the groups gnomAD compares: African/African-American, 1.3%; 7 homozygotes.

Submissions (2):

CeGaT Center for Human Genetics Tuebingen
Classification: Likely benign. Last evaluated: 2026-09-01. Review status: criteria provided, single submitter. Criteria: CeGaT Center For Human Genetics Tuebingen Variant Classification Criteria Version 2. Collection method: clinical testing. Allele origin: germline. Affected: yes. Observed: 1 variant allele.
Comment: APOB: BP4, BP7, BS1

Molecular Diagnostic Laboratory for Inherited Cardiovascular Disease, Montreal Heart Institute
Classification: Benign. Last evaluated: 2025-04-09. Review status: criteria provided, single submitter. Criteria: ACMG Guidelines, 2015. Collection method: clinical testing. Allele origin: germline. Affected: no.

NM_000384.3(APOB):c.2436+76G>A

Gene: APOB (apolipoprotein B; minus strand). Cytogenetic location: 2p24.1.
Variant type: single nucleotide variant.
Coding change: c.2436+76G>A on transcript NM_000384.3 (MANE Select); 76 bases into the intron after coding-DNA position 2436, G replaced by A.
Molecular consequence: intron variant.
Genome position (GRCh38, 1-based): chr2:21,024,857, C>T on the plus strand (G>A on the coding strand, the complement: APOB is on the minus strand). VCF-style: chr2-21024857-C-T. GRCh37 (hg19) VCF-style: chr2-21247729-C-T.
Identifiers: ClinVar variation 3894917 (VCV003894917.2), dbSNP rs78341608.
Genomic context (GRCh38, chr2:21,024,857, plus strand): 5'-AGGCAAACCTCCATCTCTGAAGAAAGTACAAGCATCTTTTCGGGCTTGTGCAGCTGGGAT[C>T]GTAAGGGAGTCTGGGCGATCTAAAAAAAAACCAACGTCTGGTCTCATGGGCCCCCAGTGG-3'